The following is an entry in ClinVar:

NM_000059.4(BRCA2):c.4526A>G (p.Gln1509Arg)

Gene: BRCA2 (BRCA2 DNA repair associated; plus strand). Cytogenetic location: 13q13.1.
Variant type: single nucleotide variant.
Coding change: c.4526A>G on transcript NM_000059.4 (MANE Select); coding-DNA position 4526, A replaced by G.
Protein change: p.Gln1509Arg; replaces glutamine 1509 with arginine.
Molecular consequence: missense variant.
Genome position (GRCh38, 1-based): chr13:32,338,881, A>G. VCF-style: chr13-32338881-A-G. GRCh37 (hg19) VCF-style: chr13-32913018-A-G.
Other names: short protein forms Q1509R.
Identifiers: ClinVar variation 462344 (VCV000462344.18), dbSNP rs764435740, ClinGen allele CA6940787.

ClinVar aggregate classification (germline): Conflicting classifications of pathogenicity. Review status: criteria provided, conflicting classifications (1 of 4 stars). 5 submissions from 5 submitters: Uncertain significance (3); Likely benign (2). Last evaluated 2025-09-08.

Conditions:
Hereditary cancer-predisposing syndrome. Also called: Hereditary neoplastic syndrome; Neoplastic Syndromes, Hereditary; Tumor predisposition; Hereditary Cancer Syndrome. Identifiers: Orphanet 140162, MedGen C0027672, MeSH D009386, MONDO:0015356.
Hereditary breast ovarian cancer syndrome. Also called: Hereditary breast and/or ovarian cancer syndrome; BRCA1- and BRCA2-Associated Hereditary Breast and Ovarian Cancer; Hereditary breast and ovarian cancer; Breast and ovarian cancer; Hereditary breast and ovarian cancer syndrome; Hereditary breast and ovarian cancer syndrome (HBOC). Identifiers: Orphanet 145, MedGen C0677776, MeSH D061325, MONDO:0003582. Disease mechanism: loss of function.
Breast-ovarian cancer, familial, susceptibility to, 2 (BROVCA2). Also called: BRCA2 Hereditary Breast and Ovarian Cancer. Identifiers: Orphanet 145, MedGen C2675520, MONDO:0012933, OMIM 612555. Disease mechanism: loss of function.

Allele frequency attached by ClinVar (database versions not stated): TOPMed below 0.00001; ExAC 0.00001; gnomAD exomes 0.00001.
gnomAD v4.1: 4 of 1,613,980 alleles (0.00025%); highest among the groups gnomAD compares: Admixed American, 0.005%; no homozygotes.

Submissions (5):

Labcorp Genetics (formerly Invitae), Labcorp
Classification: Uncertain significance for Hereditary breast ovarian cancer syndrome. Last evaluated: 2025-09-08. Review status: criteria provided, single submitter. Criteria: Invitae Variant Classification Sherloc (09022015). Collection method: clinical testing. Allele origin: germline.
Comment: This sequence change replaces glutamine, which is neutral and polar, with arginine, which is basic and polar, at codon 1509 of the BRCA2 protein (p.Gln1509Arg). This variant is present in population databases (rs764435740, gnomAD 0.006%). This variant has not been reported in the literature in individuals affected with BRCA2-related conditions. ClinVar contains an entry for this variant (Variation ID: 462344). Invitae Evidence Modeling of protein sequence and biophysical properties (such as structural, functional, and spatial information, amino acid conservation, physicochemical variation, residue mobility, and thermodynamic stability) indicates that this missense variant is not expected to disrupt BRCA2 protein function with a negative predictive value of 95%. In summary, the available evidence is currently insufficient to determine the role of this variant in disease. Therefore, it has been classified as a Variant of Uncertain Significance.

Quest Diagnostics Nichols Institute San Juan Capistrano
Classification: Uncertain significance. Last evaluated: 2024-06-13. Review status: criteria provided, single submitter. Criteria: Quest Diagnostics criteria. Collection method: clinical testing. Allele origin: unknown.
Comment: The BRCA2 c.4526A>G (p.Gln1509Arg) variant has not been reported in individuals with BRCA2-related conditions in the published literature. This variant has also been described to be located in a region of the BRCA2 gene that is tolerant to missense sequence changes (PMID: 31911673 (2020)). The frequency of this variant in the general population, 0.000012 (3/250266 chromosomes (Genome Aggregation Database)), is uninformative in the assessment of its pathogenicity. Analysis of this variant using bioinformatics tools for the prediction of the effect of amino acid changes on protein structure and function yielded predictions that this variant is benign. Based on the available information, we are unable to determine the clinical significance of this variant.

All of Us Research Program, National Institutes of Health
Classification: Uncertain significance for Breast-ovarian cancer, familial, susceptibility to, 2. Last evaluated: 2023-09-04. Review status: criteria provided, single submitter. Criteria: ACMG Guidelines, 2015. Collection method: clinical testing. Allele origin: germline. Inheritance: Autosomal dominant inheritance. Observed: 1 variant allele, 1 heterozygote.
Comment: This missense variant replaces glutamine with arginine at codon 1509 of the BRCA2 protein. Computational prediction suggests that this variant may not impact protein structure and function (internally defined REVEL score threshold <= 0.5, PMID: 27666373). To our knowledge, functional studies have not been reported for this variant. This variant has not been reported in individuals affected with BRCA2-related disorders in the literature. This variant has been identified in 3/250266 chromosomes in the general population by the Genome Aggregation Database (gnomAD). The available evidence is insufficient to determine the role of this variant in disease conclusively. Therefore, this variant is classified as a Variant of Uncertain Significance.

This study involves interpretation of variants in research participants for the purpose of population health screening. Participant phenotype was not available at the time of variant classification. Additional details can be found in publication PMID: 35346344, PMCID: PMC8962531

University of Washington Department of Laboratory Medicine, University of Washington
Classification: Likely benign for Hereditary cancer-predisposing syndrome. Last evaluated: 2023-03-23. Review status: criteria provided, single submitter. Criteria: Dines et al. (Genet Med. 2020). Collection method: curation. Allele origin: germline.
Comment: Missense variant in a coldspot region where missense variants are very unlikely to be pathogenic (PMID:31911673).

BRCA2 exon 11 coldspot. Reclassification based on statistical prior probability.

Ambry Genetics
Classification: Likely benign for Hereditary cancer-predisposing syndrome. Last evaluated: 2020-07-22. Review status: criteria provided, single submitter. Criteria: Ambry Variant Classification Scheme 2023. Collection method: clinical testing. Allele origin: germline.

Literature cited by the submitters: PubMed 31911673 (cited by Quest Diagnostics Nichols Institute San Juan Capistrano).